The following is an entry in ClinVar:

ClinVar aggregate classification (germline): Uncertain significance (1 of 4 stars; one submission).

Submission:

Labcorp Genetics (formerly Invitae), Labcorp
Classification: Uncertain significance. Last evaluated: 2024-11-11. Review status: criteria provided, single submitter. Criteria: Invitae Variant Classification Sherloc (09022015). Collection method: clinical testing. Allele origin: germline.
Comment: This sequence change replaces proline, which is neutral and non-polar, with threonine, which is neutral and polar, at codon 998 of the VARS2 protein (p.Pro998Thr). This variant is not present in population databases (gnomAD no frequency). This variant has not been reported in the literature in individuals affected with VARS2-related conditions. ClinVar contains an entry for this variant (Variation ID: 1520552). Invitae Evidence Modeling of protein sequence and biophysical properties (such as structural, functional, and spatial information, amino acid conservation, physicochemical variation, residue mobility, and thermodynamic stability) indicates that this missense variant is not expected to disrupt VARS2 protein function with a negative predictive value of 80%. In summary, the available evidence is currently insufficient to determine the role of this variant in disease. Therefore, it has been classified as a Variant of Uncertain Significance.

NM_020442.6(VARS2):c.2902C>A (p.Pro968Thr)

Gene: VARS2 (valyl-tRNA synthetase 2, mitochondrial; plus strand). Cytogenetic location: 6p21.33.
Variant type: single nucleotide variant.
Coding change: c.2902C>A on transcript NM_020442.6 (MANE Select); coding-DNA position 2902, C replaced by A.
Protein change: p.Pro968Thr; replaces proline 968 with threonine.
Molecular consequence: missense variant.
Genome position (GRCh38, 1-based): chr6:30,925,660, C>A. VCF-style: chr6-30925660-C-A. GRCh37 (hg19) VCF-style: chr6-30893437-C-A.
Other names: c.2482C>A, p.Pro828Thr (NM_001167733.3); c.2992C>A, p.Pro998Thr (NM_001167734.2); short protein forms P968T, P828T, P998T.
Identifiers: ClinVar variation 1520552 (VCV001520552.6), dbSNP rs2150571150, ClinGen allele CA363177807.